The following is an entry in ClinVar:

NM_001127511.3(APC):c.-8C>G

Gene: APC (APC regulator of Wnt signaling pathway; plus strand). Cytogenetic location: 5q22.2.
Variant type: single nucleotide variant.
Coding change: c.-8C>G on transcript NM_001127511.3; 8 bases upstream of the start codon, C replaced by G.
Molecular consequence: 5 prime UTR variant. On other transcripts: non-coding transcript variant (1), intron variant (5).
Genome position (GRCh38, 1-based): chr5:112,707,710, C>G. VCF-style: chr5-112707710-C-G. GRCh37 (hg19) VCF-style: chr5-112043407-C-G.
Other names: c.-191C>G (NM_001354895.2, NM_001407447.1, NM_001407452.1 and 3 more transcripts); c.-8C>G (NM_001354897.2, NM_001354902.2, NM_001407446.1); c.-1226C>G (NM_001407470.1, NM_001407472.1); c.-19+61C>G (NM_001407448.1, NM_001407450.1, NM_001407457.1 and 1 more transcripts); c.-43+61C>G (NM_001407453.1).
Identifiers: ClinVar variation 1018713 (VCV001018713.7), dbSNP rs1750599549, ClinGen allele CA1573442657.

ClinVar aggregate classification (germline): Uncertain significance (1 of 4 stars; one submission).

Conditions:
Familial adenomatous polyposis 1 (FAP1). Also called: FAMILIAL ADENOMATOUS POLYPOSIS 1, ATTENUATED; POLYPOSIS, ADENOMATOUS INTESTINAL. Identifiers: MedGen C2713442, MONDO:0021056, OMIM 175100. Disease mechanism: loss of function.

Submission:

Labcorp Genetics (formerly Invitae), Labcorp
Classification: Uncertain significance for Familial adenomatous polyposis 1. Last evaluated: 2023-11-27. Review status: criteria provided, single submitter. Criteria: Invitae Variant Classification Sherloc (09022015). Collection method: clinical testing. Allele origin: germline.
Comment: This variant occurs in a non-coding region of the APC gene. It does not change the encoded amino acid sequence of the APC protein. This variant is not present in population databases (gnomAD no frequency). This variant has not been reported in the literature in individuals affected with APC-related conditions. Experimental studies and prediction algorithms are not available or were not evaluated, and the functional significance of this variant is currently unknown. In summary, the available evidence is currently insufficient to determine the role of this variant in disease. Therefore, it has been classified as a Variant of Uncertain Significance.